The following is an entry in ClinVar:

ClinVar aggregate classification (germline): Likely benign. Review status: criteria provided, single submitter (1 of 4 stars). 2 submissions from 1 submitter: Likely benign (2). Last evaluated 2018-01-12.

Conditions:
Hypercholesterolemia, autosomal dominant, 3 (FHCL3). Also called: PCSK9-Related Familial Hypercholesterolemia, Autosomal Dominant; Familial Hypercholesterolemia, Autosomal Dominant, 3; Familial hypercholesterolemia 3. Identifiers: MedGen C1863551, MONDO:0011369, OMIM 603776.
Hypobetalipoproteinemia. Identifiers: Orphanet 31154, MedGen C0020597, MONDO:0017774.

Allele frequency attached by ClinVar (database versions not stated): gnomAD 0.00267 and 0.00287; TOPMed 0.00281; 1000 Genomes Project 0.00339; 1000 Genomes Project 30x 0.00344.

Submissions (2):

Illumina Laboratory Services, Illumina
Classification: Likely benign for Hypobetalipoproteinemia. Last evaluated: 2018-01-12. Review status: criteria provided, single submitter. Criteria: ICSL Variant Classification Criteria 13 December 2019. Collection method: clinical testing. Allele origin: germline.
Comment: This variant was observed in the ICSL laboratory as part of a predisposition screen in an ostensibly healthy population. It had not been previously curated by ICSL or reported in the Human Gene Mutation Database (HGMD: prior to June 1st, 2018), and was therefore a candidate for classification through an automated scoring system. Utilizing variant allele frequency, disease prevalence and penetrance estimates, and inheritance mode, an automated score was calculated to assess if this variant is too frequent to cause the disease. Based on the score and internal cut-off values, a variant classified as likely benign is not then subjected to further curation. The score for this variant resulted in a classification of likely benign for this disease.

Illumina Laboratory Services, Illumina
Classification: Likely benign for Hypercholesterolemia, autosomal dominant, 3. Last evaluated: 2018-01-12. Review status: criteria provided, single submitter. Criteria: ICSL Variant Classification Criteria 13 December 2019. Collection method: clinical testing. Allele origin: germline.
Comment: the same text as in the submission from Illumina Laboratory Services, Illumina above.

NM_174936.4(PCSK9):c.*843G>A

Gene: PCSK9 (proprotein convertase subtilisin/kexin type 9; plus strand). Cytogenetic location: 1p32.3.
Variant type: single nucleotide variant.
Coding change: c.*843G>A on transcript NM_174936.4 (MANE Select); 843 bases downstream of the stop codon, G replaced by A.
Molecular consequence: 3 prime UTR variant.
Genome position (GRCh38, 1-based): chr1:55,064,427, G>A. VCF-style: chr1-55064427-G-A. GRCh37 (hg19) VCF-style: chr1-55530100-G-A.
Other names: c.*843G>A (NM_001407240.1, NM_001407241.1, NM_001407242.1 and 5 more transcripts).
Identifiers: ClinVar variation 873786 (VCV000873786.5), dbSNP rs28362291, ClinGen allele CA22769413.
Genomic context (GRCh38, chr1:55,064,427, plus strand): 5'-AACCTGGAACCAGAGGGGGCGTGCCTGCCAAGCTCACACAGCAGGAACTGAGCCAGAAAC[G>A]CAGATTGGGCTGGCTCTGAAGCCAAGCCTCTTCTTACTTCACCCGGCTGGGCTCCTCATT-3'